The following is an entry in ClinVar:

ClinVar aggregate classification (germline): Pathogenic/Likely pathogenic. Review status: criteria provided, multiple submitters, no conflicts (2 of 4 stars). 3 submissions from 3 submitters: Pathogenic (1); Likely pathogenic (1). 1 of the submissions does not count toward it. Last evaluated 2022-09-29.

Conditions:
Idiopathic basal ganglia calcification 1 (PFBC1A). Also called: Familial Idiopathic Basal Ganglia Calcification 2; Cerebral calcification nonarteriosclerotic idiopathic adult-onset; Striopallidodentate calcinosis autosomal dominant adult-onset; Ferrocalcinosis, cerebrovascular; Fahr disease, familial (formerly); Familial Idiopathic Basal Ganglia Calcification 3. Identifiers: Orphanet 1980, MedGen C4551624, MONDO:0024538, OMIM 213600.

Submissions (3):

GeneDx
Classification: Likely pathogenic. Last evaluated: 2022-09-29. Review status: criteria provided, single submitter. Criteria: GeneDx Variant Classification Process June 2021. Collection method: clinical testing. Allele origin: germline. Affected: yes.
Comment: Identified in a family with basal ganglia calcifications, however, it is unknown whether the family was screened for variants in other genes associated with idiopathic basal ganglia calcification (Hsu et al., 2013); Frameshift variant predicted to result in protein truncation or nonsense mediated decay in a gene for which loss of function is a known mechanism of disease; Not observed at significant frequency in large population cohorts (gnomAD); This variant is associated with the following publications: (PMID: 26147798, 23334463)

Labcorp Genetics (formerly Invitae), Labcorp
Classification: Pathogenic. Last evaluated: 2018-08-01. Review status: criteria provided, single submitter. Criteria: Invitae Variant Classification Sherloc (09022015). Collection method: clinical testing. Allele origin: germline.
Comment: For these reasons, this variant has been classified as Pathogenic. Loss-of-function variants in SLC20A2 are known to be pathogenic (PMID: 23334463). This variant has been observed in an individual and a family affected with idiopathic basal ganglia calcification (PMID: 23334463, Invitae). This variant is not present in population databases (ExAC no frequency). This sequence change creates a premature translational stop signal (p.Val195Leufs*62) in the SLC20A2 gene. It is expected to result in an absent or disrupted protein product.

OMIM
Classification: Pathogenic for PRIMARY FAMILIAL BRAIN CALCIFICATION 1A, AUTOSOMAL DOMINANT. Last evaluated: 2013-02-01. Review status: no assertion criteria provided. Collection method: literature only. Allele origin: germline. Not counted in ClinVar's aggregate classification.

Literature cited by the submitters: PubMed 23334463 (cited by Labcorp Genetics (formerly Invitae), Labcorp and OMIM); PubMed 11344012 (cited by OMIM); PubMed 15596772 (cited by OMIM).

NM_001257180.2(SLC20A2):c.583_584del (p.Val195fs)

Gene: SLC20A2 (solute carrier family 20 member 2; minus strand). Cytogenetic location: 8p11.21.
Variant type: Deletion.
Coding change: c.583_584del on transcript NM_001257180.2 (MANE Select); coding-DNA positions 583 to 584, 2 bases deleted (GT; older notation c.583_584delGT).
Protein change: p.Val195fs; shifts the reading frame from valine 195.
Molecular consequence: frameshift variant.
Genome position (GRCh38, 1-based): chr8:42,459,925-42,459,926, AC deleted on the plus strand (GT on the coding strand, the reverse complement: SLC20A2 is on the minus strand); deleting any 2 consecutive bases within chr8:42,459,925-42,459,927 gives the same sequence; the c. name uses the placement nearest the transcript's 3' end. VCF-style (leftmost placement, unchanged base first): chr8-42459924-GAC-G. GRCh37 (hg19) VCF-style: chr8-42317442-GAC-G.
Other names: c.583_584del, p.Val195fs (NM_001257181.2, NM_006749.5); short protein forms V195fs.
Identifiers: ClinVar variation 75233 (VCV000075233.11), dbSNP rs398122397, ClinGen allele CA266195.
Genomic context (GRCh38, chr8:42,459,924, plus strand): 5'-GCCCCTGGAGTATGCTTCCAAGGGATCCTTACCTGGTGCTCCTGTGTACATGATGGAAAA[GAC>G]ATTGATTGCTATGGTAGCAGCATAGAATACTGGGAGTGCCCGGAGGCCATTGGGAACAGG-3'